The following is an entry in ClinVar:

NM_006231.4(POLE):c.5327C>A (p.Ala1776Asp)

Gene: POLE (DNA polymerase epsilon, catalytic subunit; minus strand). Cytogenetic location: 12q24.33.
Variant type: single nucleotide variant.
Coding change: c.5327C>A on transcript NM_006231.4 (MANE Select); coding-DNA position 5327, C replaced by A.
Protein change: p.Ala1776Asp; replaces alanine 1776 with aspartic acid.
Molecular consequence: missense variant.
Genome position (GRCh38, 1-based): chr12:132,641,698, G>T on the plus strand (C>A on the coding strand, the complement: POLE is on the minus strand). VCF-style: chr12-132641698-G-T. GRCh37 (hg19) VCF-style: chr12-133218284-G-T.
Other names: c.5327C>A (NM_006231.2); short protein forms A1776D.
Identifiers: ClinVar variation 540818 (VCV000540818.9), dbSNP rs779305242, ClinGen allele CA387375908.
Genomic context (GRCh38, chr12:132,641,698, plus strand): 5'-GGGTGGCACCTGAAGGTGTTAGAGCACAGGGCTGTCTCATCGTAGCTGGCCGGGGCACTG[G>T]CAGCCTGACCACCCGTGATCATGTCCTCCAGGGAGGCCTGCTGGATCACGTCGAAGCTGA-3'
Protein context (NP_006222.2, residues 1766-1786): LEDMITGGQA[Ala1776Asp]SAPASYDETA

ClinVar aggregate classification (germline): Uncertain significance. Review status: criteria provided, multiple submitters, no conflicts (2 of 4 stars). 2 submissions from 2 submitters: Uncertain significance (2). Last evaluated 2024-09-23.

Conditions:
Hereditary cancer-predisposing syndrome. Also called: Neoplastic Syndromes, Hereditary; Hereditary Cancer Syndrome; Hereditary neoplastic syndrome; Tumor predisposition. Identifiers: Orphanet 140162, MedGen C0027672, MeSH D009386, MONDO:0015356.

Allele frequency attached by ClinVar (database versions not stated): TOPMed below 0.00001.

Submissions (2):

Ambry Genetics
Classification: Uncertain significance for Hereditary cancer-predisposing syndrome. Last evaluated: 2024-09-23. Review status: criteria provided, single submitter. Criteria: Ambry Variant Classification Scheme 2023. Collection method: clinical testing. Allele origin: germline.
Comment: The p.A1776D variant (also known as c.5327C>A), located in coding exon 39 of the POLE gene, results from a C to A substitution at nucleotide position 5327. The alanine at codon 1776 is replaced by aspartic acid, an amino acid with dissimilar properties. This amino acid position is conserved. In addition, this alteration is predicted to be tolerated by in silico analysis. Based on the available evidence, the clinical significance of this variant remains unclear.

Labcorp Genetics (formerly Invitae), Labcorp
Classification: Uncertain significance. Last evaluated: 2023-10-04. Review status: criteria provided, single submitter. Criteria: Invitae Variant Classification Sherloc (09022015). Collection method: clinical testing. Allele origin: germline.
Comment: This sequence change replaces alanine, which is neutral and non-polar, with aspartic acid, which is acidic and polar, at codon 1776 of the POLE protein (p.Ala1776Asp). This variant is not present in population databases (gnomAD no frequency). This variant has not been reported in the literature in individuals affected with POLE-related conditions. ClinVar contains an entry for this variant (Variation ID: 540818). Advanced modeling of protein sequence and biophysical properties (such as structural, functional, and spatial information, amino acid conservation, physicochemical variation, residue mobility, and thermodynamic stability) performed at Invitae indicates that this missense variant is not expected to disrupt POLE protein function. In summary, the available evidence is currently insufficient to determine the role of this variant in disease. Therefore, it has been classified as a Variant of Uncertain Significance.